The following is an entry in ClinVar:

NM_001354604.2(MITF):c.821G>A (p.Gly274Asp)

Gene: MITF (melanocyte inducing transcription factor; plus strand). Cytogenetic location: 3p13.
Variant type: single nucleotide variant.
Coding change: c.821G>A on transcript NM_001354604.2 (MANE Select); coding-DNA position 821, G replaced by A.
Protein change: p.Gly274Asp; replaces glycine 274 with aspartic acid.
Molecular consequence: missense variant.
Genome position (GRCh38, 1-based): chr3:69,949,109, G>A. VCF-style: chr3-69949109-G-A. GRCh37 (hg19) VCF-style: chr3-69998260-G-A.
Other names: c.500G>A, p.Gly167Asp (NM_000248.4, NM_198158.3); c.665G>A, p.Gly222Asp (NM_001184967.2, NM_001354608.2); c.818G>A, p.Gly273Asp (NM_001354605.2, NM_001354606.2, NM_006722.3); c.770G>A, p.Gly257Asp (NM_001354607.2); c.821G>A, p.Gly274Asp (NM_198159.3); c.773G>A, p.Gly258Asp (NM_198177.3); c.332G>A, p.Gly111Asp (NM_198178.3); short protein forms G258D, G257D, G274D, G111D, G167D, G222D, G273D.
Identifiers: ClinVar variation 3572673 (VCV003572673.1).
Genomic context (GRCh38, chr3:69,949,109, plus strand): 5'-AGTTGCCTGTCTCGGGAAACTTGATTGATCTTTATGGAAACCAAGGTCTGCCCCCACCAG[G>A]CCTCACCATCAGCAACTCCTGTCCAGCCAACCTTCCCAACATAAAAAGGGAGCTCACAGG-3'
Protein context (NP_001341533.1, residues 264-284): LYGNQGLPPP[Gly274Asp]LTISNSCPAN

ClinVar aggregate classification (germline): Uncertain significance (1 of 4 stars; one submission).

Submission:

GeneDx
Classification: Uncertain significance. Last evaluated: 2024-07-08. Review status: criteria provided, single submitter. Criteria: GeneDx Variant Classification Process June 2021. Collection method: clinical testing. Allele origin: germline. Affected: yes.
Comment: Not observed at significant frequency in large population cohorts (gnomAD); In silico analysis supports that this missense variant has a deleterious effect on protein structure/function; Has not been previously published as pathogenic or benign to our knowledge